The following is an entry in ClinVar:

NM_173076.3(ABCA12):c.1649A>G (p.Glu550Gly)

Gene: ABCA12 (ATP binding cassette subfamily A member 12; minus strand). Cytogenetic location: 2q35.
Variant type: single nucleotide variant.
Coding change: c.1649A>G on transcript NM_173076.3 (MANE Select); coding-DNA position 1649, A replaced by G.
Protein change: p.Glu550Gly; replaces glutamic acid 550 with glycine.
Molecular consequence: missense variant. On other transcripts: non-coding transcript variant (1).
Genome position (GRCh38, 1-based): chr2:215,019,344, T>C on the plus strand (A>G on the coding strand, the complement: ABCA12 is on the minus strand). VCF-style: chr2-215019344-T-C. GRCh37 (hg19) VCF-style: chr2-215884068-T-C.
Other names: c.695A>G, p.Glu232Gly (NM_015657.4); short protein forms E550G, E232G.
Identifiers: ClinVar variation 235381 (VCV000235381.13), dbSNP rs16853149, ClinGen allele CA2092184.
Genomic context (GRCh38, chr2:215,019,344, plus strand): 5'-GAATCACATGCATTCTAATAAGACAAGATTTAAAATGTGGATGGGGAAACACCTGGCTTT[T>C]CAGAAGCATCTGCACTGTTATTGACATGCAGCATGGCTTCTATGATCGGTATTAACTGAG-3'
Protein context (NP_775099.2, residues 540-560): LHVNNSADAS[Glu550Gly]KPGQLLEMFK

ClinVar aggregate classification (germline): Benign. Review status: criteria provided, multiple submitters, no conflicts (2 of 4 stars). 4 submissions from 4 submitters: Benign (4). Last evaluated 2026-02-02.

Conditions:
Congenital ichthyosis of skin. Identifiers: MedGen C0020758.

Allele frequency attached by ClinVar (database versions not stated): 1000 Genomes Project 30x 0.05075; TOPMed 0.04524; 1000 Genomes Project 0.04633; ESP Exome Variant Server 0.04467.
gnomAD v4.1: 11,978 of 1,610,886 alleles (0.74%); highest among the groups gnomAD compares: African/African-American, 14%; 715 homozygotes.

Submissions (4):

Labcorp Genetics (formerly Invitae), Labcorp
Classification: Benign. Last evaluated: 2026-02-02. Review status: criteria provided, single submitter. Criteria: Invitae Variant Classification Sherloc (09022015). Collection method: clinical testing. Allele origin: germline.

Illumina Laboratory Services, Illumina
Classification: Benign for Congenital ichthyosis of skin. Last evaluated: 2018-01-13. Review status: criteria provided, single submitter. Criteria: ICSL Variant Classification Criteria 13 December 2019. Collection method: clinical testing. Allele origin: germline.
Comment: This variant was observed in the ICSL laboratory as part of a predisposition screen in an ostensibly healthy population. It had not been previously curated by ICSL or reported in the Human Gene Mutation Database (HGMD: prior to June 1st, 2018), and was therefore a candidate for classification through an automated scoring system. Utilizing variant allele frequency, disease prevalence and penetrance estimates, and inheritance mode, an automated score was calculated to assess if this variant is too frequent to cause the disease. Based on the score and internal cut-off values, a variant classified as benign is not then subjected to further curation. The score for this variant resulted in a classification of benign for this disease.

Center for Pediatric Genomic Medicine, Children's Mercy Hospital and Clinics
Classification: Benign. Last evaluated: 2015-12-22. Review status: criteria provided, single submitter. Criteria: ACMG Guidelines, 2015. Collection method: clinical testing. Allele origin: germline.

Breakthrough Genomics
Classification: Benign. Review status: criteria provided, single submitter. Criteria: ACMG Guidelines, 2015. Collection method: not provided. Allele origin: germline. Inheritance: Autosomal recessive inheritance. Affected: yes.